The following is an entry in ClinVar:

NM_133259.4(LRPPRC):c.725A>G (p.His242Arg)

Gene: LRPPRC (leucine rich pentatricopeptide repeat containing; minus strand). Cytogenetic location: 2p21.
Variant type: single nucleotide variant.
Coding change: c.725A>G on transcript NM_133259.4 (MANE Select); coding-DNA position 725, A replaced by G.
Protein change: p.His242Arg; replaces histidine 242 with arginine.
Molecular consequence: missense variant.
Genome position (GRCh38, 1-based): chr2:43,976,155, T>C on the plus strand (A>G on the coding strand, the complement: LRPPRC is on the minus strand). VCF-style: chr2-43976155-T-C. GRCh37 (hg19) VCF-style: chr2-44203294-T-C.
Other names: short protein forms H242R.
Identifiers: ClinVar variation 1414063 (VCV001414063.3), dbSNP rs1559045081, ClinGen allele CA346675202.
Genomic context (GRCh38, chr2:43,976,155, plus strand): 5'-TCTCAGCCATCTATCACTTAAGAACCAAAACCTTAGGTTGAACATTACCCAGCTCTGGCA[T>C]GCCCTGTCACAAGGGCACTGAATACTGCCTCTGTAACTGGGAGATCCTTAGTTTTCATAA-3'
Protein context (NP_573566.2, residues 232-252): EAVFSALVTG[His242Arg]ARAGDMENAE

ClinVar aggregate classification (germline): Uncertain significance (1 of 4 stars; one submission).

Allele frequency attached by ClinVar (database versions not stated): gnomAD exomes below 0.00001.
gnomAD v4.1: 1 of 1,605,994 alleles (0.000062%); no homozygotes.

Submission:

Labcorp Genetics (formerly Invitae), Labcorp
Classification: Uncertain significance. Last evaluated: 2021-12-02. Review status: criteria provided, single submitter. Criteria: Invitae Variant Classification Sherloc (09022015). Collection method: clinical testing. Allele origin: germline.
Comment: This sequence change replaces histidine, which is basic and polar, with arginine, which is basic and polar, at codon 242 of the LRPPRC protein (p.His242Arg). This variant is not present in population databases (gnomAD no frequency). This variant has not been reported in the literature in individuals affected with LRPPRC-related conditions. Advanced modeling of protein sequence and biophysical properties (such as structural, functional, and spatial information, amino acid conservation, physicochemical variation, residue mobility, and thermodynamic stability) performed at Invitae indicates that this missense variant is expected to disrupt LRPPRC protein function. In summary, the available evidence is currently insufficient to determine the role of this variant in disease. Therefore, it has been classified as a Variant of Uncertain Significance.